The following is an entry in ClinVar:

ClinVar aggregate classification (germline): Uncertain significance (1 of 4 stars; one submission).

Conditions:
Nemaline myopathy 2 (NEM2). Also called: Nemaline myopathy 2, autosomal recessive. Identifiers: MedGen C1850569, MONDO:0009725, OMIM 256030.

Submission:

Labcorp Genetics (formerly Invitae), Labcorp
Classification: Uncertain significance for Nemaline myopathy 2. Last evaluated: 2022-08-09. Review status: criteria provided, single submitter. Criteria: Invitae Variant Classification Sherloc (09022015). Collection method: clinical testing. Allele origin: germline.
Comment: Algorithms developed to predict the effect of missense changes on protein structure and function are either unavailable or do not agree on the potential impact of this missense change (SIFT: "Deleterious"; PolyPhen-2: "Not Available"; Align-GVGD: "Class C0"). In summary, the available evidence is currently insufficient to determine the role of this variant in disease. Therefore, it has been classified as a Variant of Uncertain Significance. ClinVar contains an entry for this variant (Variation ID: 662677). This variant has not been reported in the literature in individuals affected with NEB-related conditions. This variant is not present in population databases (gnomAD no frequency). This sequence change replaces serine, which is neutral and polar, with asparagine, which is neutral and polar, at codon 6051 of the NEB protein (p.Ser6051Asn).

NM_001164508.2(NEB):c.18152G>A (p.Ser6051Asn)

Gene: NEB (nebulin; minus strand). Cytogenetic location: 2q23.3.
Variant type: single nucleotide variant.
Coding change: c.18152G>A on transcript NM_001164508.2 (MANE Select); coding-DNA position 18152, G replaced by A.
Protein change: p.Ser6051Asn; replaces serine 6051 with asparagine.
Molecular consequence: missense variant.
Genome position (GRCh38, 1-based): chr2:151,567,172, C>T on the plus strand (G>A on the coding strand, the complement: NEB is on the minus strand). VCF-style: chr2-151567172-C-T. GRCh37 (hg19) VCF-style: chr2-152423686-C-T.
Other names: c.18152G>A, p.Ser6051Asn (NM_001164507.2, NM_001271208.2); c.13049G>A, p.Ser4350Asn (NM_004543.5); short protein forms S4350N, S6051N.
Identifiers: ClinVar variation 662677 (VCV000662677.8), dbSNP rs1577885822, ClinGen allele CA348802750.